The following is an entry in ClinVar:

NM_001282680.3(GAPVD1):c.588C>T (p.Leu196=)

Gene: GAPVD1 (GTPase activating protein and VPS9 domains 1; plus strand). Cytogenetic location: 9q33.3.
Variant type: single nucleotide variant.
Coding change: c.588C>T on transcript NM_001282680.3 (MANE Select); coding-DNA position 588, C replaced by T.
Protein change: p.Leu196=; no amino-acid change (leucine 196 retained).
Molecular consequence: synonymous variant. On other transcripts: non-coding transcript variant (2).
Genome position (GRCh38, 1-based): chr9:125,302,385, C>T. VCF-style: chr9-125302385-C-T. GRCh37 (hg19) VCF-style: chr9-128064664-C-T.
Other names: c.588C>T, p.Leu196= (NM_001282679.2, NM_001282681.3, NM_001330777.3 and 13 more transcripts).
Identifiers: ClinVar variation 5038606 (VCV005038606.1).

ClinVar aggregate classification (germline): Likely benign (1 of 4 stars; one submission).

gnomAD v4.1: 455 of 1,614,060 alleles (0.028%); highest among the groups gnomAD compares: East Asian, 0.67%; 2 homozygotes.

Submission:

CeGaT Center for Human Genetics Tuebingen
Classification: Likely benign. Last evaluated: 2026-08-01. Review status: criteria provided, single submitter. Criteria: CeGaT Center For Human Genetics Tuebingen Variant Classification Criteria Version 2. Collection method: clinical testing. Allele origin: germline. Affected: yes. Observed: 1 variant allele.
Comment: GAPVD1: BP4, BP7